The following is an entry in ClinVar:

ClinVar aggregate classification (germline): Likely benign (1 of 4 stars; one submission).

Allele frequency attached by ClinVar (database versions not stated): gnomAD 0.00001; TOPMed 0.00001; ExAC 0.00003; gnomAD exomes 0.00005; ESP Exome Variant Server 0.00015.
gnomAD v4.1: 81 of 1,613,364 alleles (0.005%); highest among the groups gnomAD compares: Non-Finnish European, 0.0064%; no homozygotes.

Submission:

CeGaT Center for Human Genetics Tuebingen
Classification: Likely benign. Last evaluated: 2023-03-01. Review status: criteria provided, single submitter. Criteria: CeGaT Center For Human Genetics Tuebingen Variant Classification Criteria Version 2. Collection method: clinical testing. Allele origin: germline. Affected: yes. Observed: 1 variant allele.
Comment: TMEM94: BP4, BP7

NM_014738.6(TMEM94):c.2850G>A (p.Lys950=)

Gene: TMEM94 (transmembrane protein 94; plus strand). Cytogenetic location: 17q25.1.
Variant type: single nucleotide variant.
Coding change: c.2850G>A on transcript NM_014738.6 (MANE Select); coding-DNA position 2850, G replaced by A.
Protein change: p.Lys950=; no amino-acid change (lysine 950 retained).
Molecular consequence: synonymous variant.
Genome position (GRCh38, 1-based): chr17:75,495,549, G>A. VCF-style: chr17-75495549-G-A. GRCh37 (hg19) VCF-style: chr17-73491630-G-A.
Other names: c.2880G>A, p.Lys960= (NM_001321148.2); c.2862G>A, p.Lys954= (NM_001321149.2); c.2802G>A, p.Lys934= (NM_001351202.2); c.2877G>A, p.Lys959= (NM_001351203.2).
Identifiers: ClinVar variation 2648259 (VCV002648259.24), dbSNP rs147963711, ClinGen allele CA8762293.